The following is an entry in ClinVar:

ClinVar aggregate classification (germline): Likely pathogenic (1 of 4 stars; one submission).

Conditions:
Autosomal recessive Alport syndrome (ATS2). Also called: COL4A3-Related Nephropathy; COL4A4 Alport Syndrome and Thin Basement Membrane Nephropathy; ALPORT SYNDROME 2, AUTOSOMAL RECESSIVE; Alport syndrome type 2. Identifiers: Orphanet 63, Orphanet 88919, MedGen C4746745, MONDO:0008762, OMIM 203780.

Submission:

Myriad Genetics, Inc.
Classification: Likely pathogenic for Autosomal recessive Alport syndrome. Last evaluated: 2022-03-02. Review status: criteria provided, single submitter. Criteria: Myriad Women's Health Autosomal Recessive and X-Linked Classification Criteria (2021). Collection method: clinical testing. Allele origin: unknown.
Comment: NM_000091.4(COL4A3):c.2870delC(P957Qfs*24) is expected to be pathogenic in the context of COL4A3-related Alport syndrome. This variant is predicted to lead to an abnormal or absent protein product due to the creation of a premature termination codon in COL4A3, a gene where loss-of-function variants are known to be pathogenic. Please note: this variant was assessed in the context of healthy population screening.

NM_000091.5(COL4A3):c.2870del (p.Pro957fs)

Genes: COL4A3 (collagen type IV alpha 3 chain; plus strand), MFF-DT (MFF divergent transcript; minus strand). Cytogenetic location: 2q36.3.
Variant type: Deletion.
Coding change: c.2870del on transcript NM_000091.5 (MANE Select); coding-DNA position 2870, one base deleted (C; older notation c.2870delC).
Protein change: p.Pro957fs; shifts the reading frame from proline 957.
Molecular consequence: frameshift variant.
Genome position (GRCh38, 1-based): chr2:227,284,334, C deleted; the last of 2 consecutive C bases (chr2:227,284,333-227,284,334); deleting either gives the same sequence. VCF-style (leftmost placement, unchanged base first): chr2-227284332-AC-A. GRCh37 (hg19) VCF-style: chr2-228149048-AC-A.
Other names: short protein forms P957fs.
Identifiers: ClinVar variation 1724899 (VCV001724899.2), dbSNP rs2469784657, ClinGen allele CA2580065926.